The following is an entry in ClinVar:

ClinVar aggregate classification (germline): Conflicting classifications of pathogenicity. Review status: criteria provided, conflicting classifications (1 of 4 stars). 11 submissions from 9 submitters: Uncertain significance (8); Benign (1); Likely benign (1). 1 of the submissions does not count toward it. Last evaluated 2025-09-30.

Conditions:
Aplastic anemia. Identifiers: Orphanet 182040, Orphanet 88, MedGen C0002874, MONDO:0015909, OMIM 609135, HP:0001915.
Dyskeratosis congenita, autosomal dominant 2. Identifiers: MedGen C3151443, MONDO:0013521, OMIM 613989.
Dyskeratosis congenita, autosomal dominant 1 (DKCA1). Also called: Dyskeratosis congenita Scoggins type. Identifiers: Orphanet 1775, MedGen C4551974, MONDO:0007485, OMIM 127550. Inheritance: Variable.
Acute myeloid leukemia (AML). Also called: Leukemia, acute myeloid, somatic; Leukemia, acute myelogenous, somatic; Acute myeloid leukemia, adult; AML adult; Acute non-lymphocytic leukemia; Acute granulocytic leukemia. Identifiers: Orphanet 519, MedGen C0023467, MeSH D015470, MONDO:0018874, OMIM 601626, HP:0004808. Disease mechanism: Constitutively activated FLT3.
Pulmonary fibrosis and/or bone marrow failure, Telomere-related, 1. Also called: PULMONARY FIBROSIS AND/OR BONE MARROW FAILURE SYNDROME, TELOMERE-RELATED, 1. Identifiers: Orphanet 88, MedGen C3553617, MONDO:0013878, OMIM 614742.
Interstitial lung disease 2 (ILD2). Also called: FIBROCYSTIC PULMONARY DYSPLASIA; FIBROSING ALVEOLITIS, CRYPTOGENIC; Familial idiopathic pulmonary fibrosis. Identifiers: Orphanet 2032, Orphanet 79126, MedGen C5561926, MONDO:0800497, OMIM 178500, MONDO:0800029.
Melanoma, cutaneous malignant, susceptibility to, 9. Also called: Cutaneous malignant melanoma 9. Identifiers: Orphanet 618, MedGen C3554574, MONDO:0014056, OMIM 615134.
Hepatocellular carcinoma (HCC). Also called: Primary carcinoma of liver; HEPATOMA; LIVER CELL CARCINOMA. Identifiers: Orphanet 88673, MedGen C2239176, MONDO:0007256, OMIM 114550, HP:0001402.
Idiopathic Pulmonary Fibrosis. Also called: Idiopathic fibrosing alveolitis, chronic form; idiopathic fibrosing alveolitis. Identifiers: Orphanet 2032, MedGen C1800706, MeSH D054990, MONDO:0800504.
Dyskeratosis congenita. Identifiers: Orphanet 1775, MedGen C0265965, MONDO:0015780.

Allele frequency attached by ClinVar (database versions not stated): gnomAD 0.00007; ExAC 0.00010; gnomAD exomes 0.00021 and 0.00005; TOPMed 0.00006.
gnomAD v4.1: 301 of 1,575,612 alleles (0.019%); highest among the groups gnomAD compares: Non-Finnish European, 0.025%; no homozygotes.

Submissions (11):

Labcorp Genetics (formerly Invitae), Labcorp
Classification: Likely benign for Dyskeratosis congenita, autosomal dominant 2; Idiopathic Pulmonary Fibrosis. Last evaluated: 2025-09-30. Review status: criteria provided, single submitter. Criteria: Invitae Variant Classification Sherloc (09022015). Collection method: clinical testing. Allele origin: germline.

GeneDx
Classification: Uncertain significance. Last evaluated: 2025-08-08. Review status: criteria provided, single submitter. Criteria: GeneDx Variant Classification Process June 2021. Collection method: clinical testing. Allele origin: germline. Affected: yes.
Comment: In silico analysis suggests that this missense variant does not alter protein structure/function; Published functional studies demonstrate intracellular protein synthesis similar to wild type (PMID: 28677271); Observed in an individual with hepatocellular carcinoma and in a blood sample from an individual with myelodysplastic syndrome but where germline reference tissue was unavailable for testing (PMID: 28677271, 34019641); This variant is associated with the following publications: (PMID: 28677271, 34019641)

Mayo Clinic Laboratories, Mayo Clinic
Classification: Uncertain significance. Last evaluated: 2025-05-28. Review status: criteria provided, single submitter. Criteria: ACMG Guidelines, 2015. Collection method: clinical testing. Allele origin: germline. Observed: 2 variant alleles.
Comment: BS3_supporting, PP2

Ambry Genetics
Classification: Uncertain significance for Dyskeratosis congenita. Last evaluated: 2024-08-29. Review status: criteria provided, single submitter. Criteria: Ambry Variant Classification Scheme 2023. Collection method: clinical testing. Allele origin: germline.
Comment: The p.H296P variant (also known as c.887A>C), located in coding exon 2 of the TERT gene, results from an A to C substitution at nucleotide position 887. The histidine at codon 296 is replaced by proline, an amino acid with similar properties. This variant was reported in an individual with features consistent with TERT-related disorder (Reilly CR et al. Blood, 2021 Sep;138:898-911). Functional studies suggest this variant may reduce telomere elongation capacity; however, the physiological relevance of this finding is unclear (Reilly CR et al. Blood, 2021 Sep;138:898-911). This amino acid position is poorly conserved in available vertebrate species. In addition, this alteration is predicted to be tolerated by in silico analysis. Based on the available evidence, the clinical significance of this variant remains unclear.

Blueprint Genetics
Classification: Uncertain significance. Last evaluated: 2024-04-15. Review status: criteria provided, single submitter. Criteria: ACMG Guidelines, 2015. Collection method: clinical testing. Allele origin: germline.

Genetic Services Laboratory, University of Chicago
Classification: Uncertain significance. Last evaluated: 2019-09-20. Review status: criteria provided, single submitter. Criteria: ACMG Guidelines, 2015. Collection method: clinical testing. Allele origin: germline. Affected: no.

Fulgent Genetics
Classification: Uncertain significance for Dyskeratosis congenita, autosomal dominant 1; Interstitial lung disease 2; Acute myeloid leukemia; Aplastic anemia; Dyskeratosis congenita, autosomal dominant 2; Pulmonary fibrosis and/or bone marrow failure, Telomere-related, 1; Melanoma, cutaneous malignant, susceptibility to, 9. Last evaluated: 2018-10-31. Review status: criteria provided, single submitter. Criteria: ACMG Guidelines, 2015. Collection method: clinical testing. Allele origin: unknown.

Illumina Laboratory Services, Illumina
Classification: Uncertain significance for Dyskeratosis congenita, autosomal dominant 2. Last evaluated: 2018-01-13. Review status: criteria provided, single submitter. Criteria: ICSL Variant Classification Criteria 13 December 2019. Collection method: clinical testing. Allele origin: germline.

Illumina Laboratory Services, Illumina
Classification: Uncertain significance for Aplastic anemia. Last evaluated: 2018-01-13. Review status: criteria provided, single submitter. Criteria: ICSL Variant Classification Criteria 13 December 2019. Collection method: clinical testing. Allele origin: germline.

Illumina Laboratory Services, Illumina
Classification: Benign for Pulmonary fibrosis and/or bone marrow failure, Telomere-related, 1. Last evaluated: 2018-01-13. Review status: criteria provided, single submitter. Criteria: ICSL Variant Classification Criteria 13 December 2019. Collection method: clinical testing. Allele origin: germline.
Comment: This variant was observed in the ICSL laboratory as part of a predisposition screen in an ostensibly healthy population. It had not been previously curated by ICSL or reported in the Human Gene Mutation Database (HGMD: prior to June 1st, 2018), and was therefore a candidate for classification through an automated scoring system. Utilizing variant allele frequency, disease prevalence and penetrance estimates, and inheritance mode, an automated score was calculated to assess if this variant is too frequent to cause the disease. Based on the score and internal cut-off values, a variant classified as benign is not then subjected to further curation. The score for this variant resulted in a classification of benign for this disease.

Metabolic Liver Diseases Lab, Fondazione IRCCS Ca Granda Policlinico, University of Milan
Classification: Uncertain significance for Hepatocellular carcinoma. Last evaluated: 2016-06-01. Review status: no assertion criteria provided. Collection method: case-control. Allele origin: germline. Affected: yes. Observed: 1 variant allele. Not counted in ClinVar's aggregate classification.

Literature cited by the submitters: PubMed 28677271 (cited by Mayo Clinic Laboratories, Mayo Clinic and Metabolic Liver Diseases Lab, Fondazione IRCCS Ca Granda Policlinico, University of Milan); PubMed 34019641 (cited by Mayo Clinic Laboratories, Mayo Clinic and Ambry Genetics).

NM_198253.3(TERT):c.887A>C (p.His296Pro)

Gene: TERT (telomerase reverse transcriptase; minus strand). Cytogenetic location: 5p15.33.
Variant type: single nucleotide variant.
Coding change: c.887A>C on transcript NM_198253.3 (MANE Select); coding-DNA position 887, A replaced by C.
Protein change: p.His296Pro; replaces histidine 296 with proline.
Molecular consequence: missense variant. On other transcripts: non-coding transcript variant (2).
Genome position (GRCh38, 1-based): chr5:1,293,999, T>G on the plus strand (A>C on the coding strand, the complement: TERT is on the minus strand). VCF-style: chr5-1293999-T-G. GRCh37 (hg19) VCF-style: chr5-1294114-T-G.
Other names: p.His296Pro; c.887A>C, p.His296Pro (NM_001193376.3); short protein forms H296P.
Identifiers: ClinVar variation 268080 (VCV000268080.26), dbSNP rs778187343, ClinGen allele CA3184895.